The following is an entry in ClinVar:

ClinVar aggregate classification (germline): Benign. Review status: criteria provided, single submitter (1 of 4 stars). 2 submissions from 2 submitters: Benign (1). 1 of the submissions does not count toward it. Last evaluated 2026-01-05.

Conditions:
KRT14-related disorder. Also called: KRT14-related condition.

Allele frequency attached by ClinVar (database versions not stated): 1000 Genomes Project 30x 0.00031; 1000 Genomes Project 0.00040; ExAC 0.00049; gnomAD 0.00054 and 0.00058; TOPMed 0.00065.
gnomAD v4.1: 238 of 1,588,062 alleles (0.015%); highest among the groups gnomAD compares: African/African-American, 0.16%; 1 homozygote.

Submissions (2):

Labcorp Genetics (formerly Invitae), Labcorp
Classification: Benign. Last evaluated: 2026-01-05. Review status: criteria provided, single submitter. Criteria: Invitae Variant Classification Sherloc (09022015). Collection method: clinical testing. Allele origin: germline.

PreventionGenetics, part of Exact Sciences
Classification: Likely benign for KRT14-related condition. Last evaluated: 2019-09-11. Review status: no assertion criteria provided. Collection method: clinical testing. Allele origin: germline. Not counted in ClinVar's aggregate classification.
Comment: This variant is classified as likely benign based on ACMG/AMP sequence variant interpretation guidelines (Richards et al. 2015 PMID: 25741868, with internal and published modifications).

NM_000526.5(KRT14):c.54C>T (p.Cys18=)

Gene: KRT14 (keratin 14; minus strand). Cytogenetic location: 17q21.2.
Variant type: single nucleotide variant.
Coding change: c.54C>T on transcript NM_000526.5 (MANE Select); coding-DNA position 54, C replaced by T.
Protein change: p.Cys18=; no amino-acid change (cysteine 18 retained).
Molecular consequence: synonymous variant.
Genome position (GRCh38, 1-based): chr17:41,586,781, G>A on the plus strand (C>T on the coding strand, the complement: KRT14 is on the minus strand). VCF-style: chr17-41586781-G-A. GRCh37 (hg19) VCF-style: chr17-39743033-G-A.
Identifiers: ClinVar variation 721880 (VCV000721880.7), dbSNP rs60831116, ClinGen allele CA8562837.
Genomic context (GRCh38, chr17:41,586,781, plus strand): 5'-CCCTCCGGCCAGGACGGAGGAGATGCGGCTGGAGCCGCCCCCGATGCCGCCCCCGATGCC[G>A]CAGGAGCCCTTCATGGAGCTGGAGGAGGTGAACTGGCGGCTGCAGGTGGTCATGGTGCAG-3'
Protein context (NP_000517.3, residues 8-28): FTSSSSMKGS[Cys18=]GIGGGIGGGS